The following is an entry in ClinVar:

ClinVar aggregate classification (germline): Uncertain significance (1 of 4 stars; one submission).

Conditions:
Cardiovascular phenotype. Identifiers: MedGen CN230736.

Submission:

Ambry Genetics
Classification: Uncertain significance for Cardiovascular phenotype. Last evaluated: 2023-12-11. Review status: criteria provided, single submitter. Criteria: Ambry Variant Classification Scheme 2023. Collection method: clinical testing. Allele origin: germline.
Comment: The p.K90Q variant (also known as c.268A>C), located in coding exon 1 of the MYPN gene, results from an A to C substitution at nucleotide position 268. The lysine at codon 90 is replaced by glutamine, an amino acid with similar properties. This amino acid position is conserved. In addition, this alteration is predicted to be tolerated by in silico analysis. Since supporting evidence is limited at this time, the clinical significance of this alteration remains unclear.

NM_032578.4(MYPN):c.268A>C (p.Lys90Gln)

Gene: MYPN (myopalladin; plus strand). Cytogenetic location: 10q21.3.
Variant type: single nucleotide variant.
Coding change: c.268A>C on transcript NM_032578.4 (MANE Select); coding-DNA position 268, A replaced by C.
Protein change: p.Lys90Gln; replaces lysine 90 with glutamine.
Molecular consequence: missense variant. On other transcripts: 5 prime UTR variant (1), non-coding transcript variant (1).
Genome position (GRCh38, 1-based): chr10:68,121,706, A>C. VCF-style: chr10-68121706-A-C. GRCh37 (hg19) VCF-style: chr10-69881463-A-C.
Other names: c.268A>C, p.Lys90Gln (NM_001256267.2); c.-855A>C (NM_001256268.2); short protein forms K90Q.
Identifiers: ClinVar variation 3228164 (VCV003228164.1), dbSNP rs2495461736, ClinGen allele CA377103966.